The following is an entry in ClinVar:

ClinVar aggregate classification (germline): Likely benign (1 of 4 stars; one submission).

Conditions:
KIDINS220-related disorder. Also called: KIDINS220-related condition.

gnomAD v4.1: 19 of 1,614,038 alleles (0.0012%); no homozygotes.

Submission:

PreventionGenetics, part of Exact Sciences
Classification: Likely benign for KIDINS220-related condition. Last evaluated: 2026-05-19. Review status: criteria provided, single submitter. Criteria: ACMG Guidelines, 2015. Collection method: clinical testing. Allele origin: germline.
Comment: This variant is classified as likely benign based on ACMG/AMP sequence variant interpretation guidelines (Richards et al. 2015 PMID: 25741868, with internal and published modifications).

NM_020738.4(KIDINS220):c.2478A>T (p.Ser826=)

Gene: KIDINS220 (kinase D interacting substrate 220; minus strand). Cytogenetic location: 2p25.1.
Variant type: single nucleotide variant.
Coding change: c.2478A>T on transcript NM_020738.4 (MANE Select); coding-DNA position 2478, A replaced by T.
Protein change: p.Ser826=; no amino-acid change (serine 826 retained).
Molecular consequence: synonymous variant. On other transcripts: non-coding transcript variant (2).
Genome position (GRCh38, 1-based): chr2:8,779,032, T>A on the plus strand (A>T on the coding strand, the complement: KIDINS220 is on the minus strand). VCF-style: chr2-8779032-T-A. GRCh37 (hg19) VCF-style: chr2-8919162-T-A.
Other names: c.2481A>T, p.Ser827= (NM_001348729.2, NM_001348731.2, NM_001348734.2 and 3 more transcripts); c.2478A>T, p.Ser826= (NM_001348732.2, NM_001348735.2, NM_001348738.2 and 3 more transcripts); c.2352A>T, p.Ser784= (NM_001348736.2).
Identifiers: ClinVar variation 4997767 (VCV004997767.1).